The following is an entry in ClinVar:

NM_001170629.2(CHD8):c.6731G>A (p.Arg2244Gln)

Gene: CHD8 (chromodomain helicase DNA binding protein 8; minus strand). Cytogenetic location: 14q11.2.
Variant type: single nucleotide variant.
Coding change: c.6731G>A on transcript NM_001170629.2 (MANE Select); coding-DNA position 6731, G replaced by A.
Protein change: p.Arg2244Gln; replaces arginine 2244 with glutamine.
Molecular consequence: missense variant.
Genome position (GRCh38, 1-based): chr14:21,392,547, C>T on the plus strand (G>A on the coding strand, the complement: CHD8 is on the minus strand). VCF-style: chr14-21392547-C-T. GRCh37 (hg19) VCF-style: chr14-21860706-C-T.
Other names: c.5894G>A, p.Arg1965Gln (NM_020920.4); short protein forms R2244Q, R1965Q.
Identifiers: ClinVar variation 2066254 (VCV002066254.5), dbSNP rs762371692, ClinGen allele CA7090729.

ClinVar aggregate classification (germline): Uncertain significance. Review status: criteria provided, multiple submitters, no conflicts (2 of 4 stars). 2 submissions from 2 submitters: Uncertain significance (2). Last evaluated 2023-08-24.

Conditions:
Inborn genetic diseases. Identifiers: MedGen C0950123, MeSH D030342.

Allele frequency attached by ClinVar (database versions not stated): gnomAD exomes below 0.00001; TOPMed below 0.00001; ExAC 0.00001; gnomAD 0.00001.
gnomAD v4.1: 7 of 1,613,030 alleles (0.00043%); highest among the groups gnomAD compares: African/African-American, 0.0027%; no homozygotes.

Submissions (2):

Labcorp Genetics (formerly Invitae), Labcorp
Classification: Uncertain significance. Last evaluated: 2023-08-24. Review status: criteria provided, single submitter. Criteria: Invitae Variant Classification Sherloc (09022015). Collection method: clinical testing. Allele origin: germline.
Comment: ClinVar contains an entry for this variant (Variation ID: 2066254). Advanced modeling of protein sequence and biophysical properties (such as structural, functional, and spatial information, amino acid conservation, physicochemical variation, residue mobility, and thermodynamic stability) performed at Invitae indicates that this missense variant is not expected to disrupt CHD8 protein function. In summary, the available evidence is currently insufficient to determine the role of this variant in disease. Therefore, it has been classified as a Variant of Uncertain Significance. This variant has not been reported in the literature in individuals affected with CHD8-related conditions. The frequency data for this variant in the population databases is considered unreliable, as metrics indicate poor data quality at this position in the gnomAD database. This sequence change replaces arginine, which is basic and polar, with glutamine, which is neutral and polar, at codon 2244 of the CHD8 protein (p.Arg2244Gln).

Ambry Genetics
Classification: Uncertain significance for Inborn genetic diseases. Last evaluated: 2022-02-11. Review status: criteria provided, single submitter. Criteria: Ambry Variant Classification Scheme 2023. Collection method: clinical testing. Allele origin: germline.